The following is an entry in ClinVar:

ClinVar aggregate classification (germline): Uncertain significance (1 of 4 stars; one submission).

Conditions:
Inborn genetic diseases. Identifiers: MedGen C0950123, MeSH D030342.

Submission:

Ambry Genetics
Classification: Uncertain significance for Inborn genetic diseases. Last evaluated: 2023-11-14. Review status: criteria provided, single submitter. Criteria: Ambry Variant Classification Scheme 2023. Collection method: clinical testing. Allele origin: germline.
Comment: The p.E2529G variant (also known as c.7586A>G), located in coding exon 45 of the ATR gene, results from an A to G substitution at nucleotide position 7586. The glutamic acid at codon 2529 is replaced by glycine, an amino acid with similar properties. This amino acid position is conserved. In addition, this alteration is predicted to be deleterious by in silico analysis. Since supporting evidence is limited at this time, the clinical significance of this alteration remains unclear.

NM_001184.4(ATR):c.7586A>G (p.Glu2529Gly)

Gene: ATR (ATR checkpoint kinase; minus strand). Cytogenetic location: 3q23.
Variant type: single nucleotide variant.
Coding change: c.7586A>G on transcript NM_001184.4 (MANE Select); coding-DNA position 7586, A replaced by G.
Protein change: p.Glu2529Gly; replaces glutamic acid 2529 with glycine.
Molecular consequence: missense variant.
Genome position (GRCh38, 1-based): chr3:142,457,673, T>C on the plus strand (A>G on the coding strand, the complement: ATR is on the minus strand). VCF-style: chr3-142457673-T-C. GRCh37 (hg19) VCF-style: chr3-142176515-T-C.
Other names: c.7394A>G, p.Glu2465Gly (NM_001354579.2); short protein forms E2465G, E2529G.
Identifiers: ClinVar variation 3221293 (VCV003221293.1), dbSNP rs2070935833, ClinGen allele CA354795087.
Genomic context (GRCh38, chr3:142,457,673, plus strand): 5'-GGCTCTCGCTGATCACGCATCAGCCTCATTGTAACTTCACATGCTCTTCGAAAAAGACCC[T>C]CTGTTCCCATAGGACCCATTCCATTAACCATATTATGAGTCAGGCGAAATGGCACAATTT-3'
Protein context (NP_001175.2, residues 2519-2539): MVNGMGPMGT[Glu2529Gly]GLFRRACEVT